The following is an entry in ClinVar:

NM_153717.3(EVC):c.1884_1885insCA (p.Glu629fs)

Gene: EVC (EvC ciliary complex subunit 1; plus strand). Cytogenetic location: 4p16.2.
Variant type: Insertion.
Coding change: c.1884_1885insCA on transcript NM_153717.3 (MANE Select); coding-DNA positions 1884 to 1885, CA inserted.
Protein change: p.Glu629fs; shifts the reading frame from glutamic acid 629.
Molecular consequence: frameshift variant.
Genome position: GRCh38 VCF-style: chr4-5793714-A-AAC. GRCh37 (hg19) VCF-style: chr4-5795441-A-AAC.
Other names: c.1884_1885insCA, p.Glu629fs (NM_001306090.2); short protein forms E629fs.
Identifiers: ClinVar variation 1457229 (VCV001457229.7), dbSNP rs2152326770, ClinGen allele CA2573138349.

ClinVar aggregate classification (germline): Pathogenic (1 of 4 stars; one submission).

Conditions:
Ellis-van Creveld syndrome (EVC). Also called: EVC-Related Ellis-van Creveld Syndrome; EVC2-Related Ellis-van Creveld Syndrome; MESOECTODERMAL DYSPLASIA; Chondroectodermal dysplasia. Identifiers: Orphanet 289, MedGen C0013903, MONDO:0009162, OMIM 225500.
Curry-Hall syndrome (WAD). Also called: WEYERS ACRODENTAL DYSOSTOSIS. Identifiers: Orphanet 952, MedGen C0457013, MONDO:0008673, OMIM 193530.

Submission:

Labcorp Genetics (formerly Invitae), Labcorp
Classification: Pathogenic for Curry-Hall syndrome; Ellis-van Creveld syndrome. Last evaluated: 2021-10-31. Review status: criteria provided, single submitter. Criteria: Invitae Variant Classification Sherloc (09022015). Collection method: clinical testing. Allele origin: germline.
Comment: For these reasons, this variant has been classified as Pathogenic. This variant has not been reported in the literature in individuals affected with EVC-related conditions. This variant is not present in population databases (gnomAD no frequency). This sequence change creates a premature translational stop signal (p.Glu629Glnfs*32) in the EVC gene. It is expected to result in an absent or disrupted protein product. Loss-of-function variants in EVC are known to be pathogenic (PMID: 23220543).

Literature cited by the submitters: PubMed 23220543.